The following is an entry in ClinVar:

NM_001042492.3(NF1):c.2427_2428dup (p.Lys810fs)

Gene: NF1 (neurofibromin 1; plus strand). Cytogenetic location: 17q11.2.
Variant type: Microsatellite.
Coding change: c.2427_2428dup on transcript NM_001042492.3 (MANE Select); coding-DNA positions 2427 to 2428, 2 bases duplicated (CA; older notation c.2427_2428dupCA).
Protein change: p.Lys810fs; shifts the reading frame from lysine 810.
Molecular consequence: frameshift variant.
Genome position (GRCh38, 1-based): chr17:31,229,042-31,229,043, CA duplicated; duplicating any 2 consecutive bases within chr17:31,229,040-31,229,043 gives the same sequence; the c. name uses the placement nearest the transcript's 3' end. VCF-style (leftmost placement, unchanged base first): chr17-31229039-T-TCA. GRCh37 (hg19) VCF-style: chr17-29556057-T-TCA.
Other names: c.2425_2426CA[3], p.Lys810Thrfs (NM_000267.4); short protein forms K810fs.
Identifiers: ClinVar variation 3336802 (VCV003336802.1).

ClinVar aggregate classification (germline): Pathogenic (1 of 4 stars; one submission).

Conditions:
Neurofibromatosis. Identifiers: MedGen C0162678, MONDO:0021061.

Submission:

Centre for Inherited Metabolic Diseases, Karolinska University Hospital
Classification: Pathogenic for neurofibromatosis. Last evaluated: 2024-07-23. Review status: criteria provided, single submitter. Criteria: ACMG Guidelines, 2015. Collection method: clinical testing. Allele origin: unknown. Inheritance: Autosomal dominant inheritance. Affected: yes. Observed: 1 heterozygote.
Comment: The variant is a null variant (PVS1). The variant is rare in the healthy population (PM2 - supporting). The variant is similar to other known pathogenic variants (PM5, Bahuau et al. 1998, PMID: 9475595 and Bahuau et al. 2000, PMID: 10712107).